The following is an entry in ClinVar:

NM_005502.4(ABCA1):c.651A>G (p.Leu217=)

Gene: ABCA1 (ATP binding cassette subfamily A member 1; minus strand). Cytogenetic location: 9q31.1.
Variant type: single nucleotide variant.
Coding change: c.651A>G on transcript NM_005502.4 (MANE Select); coding-DNA position 651, A replaced by G.
Protein change: p.Leu217=; no amino-acid change (leucine 217 retained).
Molecular consequence: synonymous variant.
Genome position (GRCh38, 1-based): chr9:104,858,591, T>C on the plus strand (A>G on the coding strand, the complement: ABCA1 is on the minus strand). VCF-style: chr9-104858591-T-C. GRCh37 (hg19) VCF-style: chr9-107620872-T-C.
Identifiers: ClinVar variation 364458 (VCV000364458.22), dbSNP rs9282538, ClinGen allele CA5169329.

ClinVar aggregate classification (germline): Benign/Likely benign. Review status: criteria provided, multiple submitters, no conflicts (2 of 4 stars). 9 submissions from 8 submitters: Benign (4); Likely benign (4). 1 of the submissions does not count toward it. Last evaluated 2026-05-01.

Conditions:
Cardiovascular phenotype. Identifiers: MedGen CN230736.
ABCA1-related disorder. Also called: ABCA1-related condition; ABCA1-related disorders. Identifiers: MedGen CN239173.
Hypoalphalipoproteinemia, primary, 1. Identifiers: Orphanet 425, MedGen C5231558, MONDO:0011393, OMIM 604091.
Tangier disease (TGD). Also called: HIGH DENSITY LIPOPROTEIN DEFICIENCY, TANGIER TYPE; HIGH DENSITY LIPOPROTEIN DEFICIENCY, TYPE 1; Cholesterol thesaurismosis. Identifiers: Orphanet 31150, MedGen C0039292, MONDO:0008783, OMIM 205400.

Allele frequency attached by ClinVar (database versions not stated): gnomAD exomes 0.00033 and 0.00096; ExAC 0.00125; gnomAD 0.00372 and 0.00399; ESP Exome Variant Server 0.00392; TOPMed 0.00410; 1000 Genomes Project 0.00439; 1000 Genomes Project 30x 0.00484.
gnomAD v4.1: 1,061 of 1,614,204 alleles (0.066%); highest among the groups gnomAD compares: African/African-American, 1.3%; 5 homozygotes.

Submissions (9):

CeGaT Center for Human Genetics Tuebingen
Classification: Likely benign. Last evaluated: 2026-05-01. Review status: criteria provided, single submitter. Criteria: CeGaT Center For Human Genetics Tuebingen Variant Classification Criteria Version 2. Collection method: clinical testing. Allele origin: germline. Affected: yes. Observed: 1 variant allele.
Comment: ABCA1: BP4, BP7, BS1

Labcorp Genetics (formerly Invitae), Labcorp
Classification: Benign. Last evaluated: 2025-12-16. Review status: criteria provided, single submitter. Criteria: Invitae Variant Classification Sherloc (09022015). Collection method: clinical testing. Allele origin: germline.

Blueprint Genetics
Classification: Likely benign. Last evaluated: 2024-07-04. Review status: criteria provided, single submitter. Criteria: ACMG Guidelines, 2015. Collection method: clinical testing. Allele origin: germline.

Women's Health and Genetics/Laboratory Corporation of America, LabCorp
Classification: Likely benign. Last evaluated: 2023-07-18. Review status: criteria provided, single submitter. Criteria: LabCorp Variant Classification Summary - May 2015. Collection method: clinical testing. Allele origin: germline.

Ambry Genetics
Classification: Likely benign for Cardiovascular phenotype. Last evaluated: 2022-02-14. Review status: criteria provided, single submitter. Criteria: Ambry Variant Classification Scheme 2023. Collection method: clinical testing. Allele origin: germline.

Illumina Laboratory Services, Illumina
Classification: Benign for Hypoalphalipoproteinemia, primary, 1. Last evaluated: 2018-01-12. Review status: criteria provided, single submitter. Criteria: ICSL Variant Classification Criteria 13 December 2019. Collection method: clinical testing. Allele origin: germline.
Comment: This variant was observed in the ICSL laboratory as part of a predisposition screen in an ostensibly healthy population. It had not been previously curated by ICSL or reported in the Human Gene Mutation Database (HGMD: prior to June 1st, 2018), and was therefore a candidate for classification through an automated scoring system. Utilizing variant allele frequency, disease prevalence and penetrance estimates, and inheritance mode, an automated score was calculated to assess if this variant is too frequent to cause the disease. Based on the score and internal cut-off values, a variant classified as benign is not then subjected to further curation. The score for this variant resulted in a classification of benign for this disease.

Illumina Laboratory Services, Illumina
Classification: Benign for Tangier disease. Last evaluated: 2018-01-12. Review status: criteria provided, single submitter. Criteria: ICSL Variant Classification Criteria 13 December 2019. Collection method: clinical testing. Allele origin: germline.
Comment: the same text as in the submission from Illumina Laboratory Services, Illumina above.

Breakthrough Genomics
Classification: Benign. Review status: criteria provided, single submitter. Criteria: ACMG Guidelines, 2015. Collection method: not provided. Allele origin: germline. Inheritance: Autosomal recessive inheritance. Affected: yes.

PreventionGenetics, part of Exact Sciences
Classification: Benign for ABCA1-related condition. Last evaluated: 2024-02-28. Review status: no assertion criteria provided. Collection method: clinical testing. Allele origin: germline. Not counted in ClinVar's aggregate classification.
Comment: This variant is classified as benign based on ACMG/AMP sequence variant interpretation guidelines (Richards et al. 2015 PMID: 25741868, with internal and published modifications).